The following is an entry in ClinVar:

ClinVar aggregate classification (germline): Likely benign (1 of 4 stars; one submission).

Allele frequency attached by ClinVar (database versions not stated): gnomAD exomes 0.00011; 1000 Genomes Project 30x 0.00016; 1000 Genomes Project 0.00020; ExAC 0.00023; TOPMed 0.00044; gnomAD 0.00049; ESP Exome Variant Server 0.00085.

Submission:

CeGaT Center for Human Genetics Tuebingen
Classification: Likely benign. Last evaluated: 2022-03-01. Review status: criteria provided, single submitter. Criteria: CeGaT Center For Human Genetics Tuebingen Variant Classification Criteria Version 2. Collection method: clinical testing. Allele origin: germline. Affected: yes. Observed: 1 variant allele.
Comment: OSBPL7: BP4

NM_145798.3(OSBPL7):c.795+8C>T

Gene: OSBPL7 (oxysterol binding protein like 7; minus strand). Cytogenetic location: 17q21.32.
Variant type: single nucleotide variant.
Coding change: c.795+8C>T on transcript NM_145798.3 (MANE Select); 8 bases into the intron after coding-DNA position 795, C replaced by T.
Molecular consequence: intron variant.
Genome position (GRCh38, 1-based): chr17:47,816,772, G>A on the plus strand (C>T on the coding strand, the complement: OSBPL7 is on the minus strand). VCF-style: chr17-47816772-G-A. GRCh37 (hg19) VCF-style: chr17-45894138-G-A.
Identifiers: ClinVar variation 2647879 (VCV002647879.24), dbSNP rs201504841, ClinGen allele CA8627136.